The following is an entry in ClinVar:

NM_004525.3(LRP2):c.10030G>A (p.Ala3344Thr)

Gene: LRP2 (LDL receptor related protein 2; minus strand). Cytogenetic location: 2q31.1.
Variant type: single nucleotide variant.
Coding change: c.10030G>A on transcript NM_004525.3 (MANE Select); coding-DNA position 10030, G replaced by A.
Protein change: p.Ala3344Thr; replaces alanine 3344 with threonine.
Molecular consequence: missense variant.
Genome position (GRCh38, 1-based): chr2:169,181,587, C>T on the plus strand (G>A on the coding strand, the complement: LRP2 is on the minus strand). VCF-style: chr2-169181587-C-T. GRCh37 (hg19) VCF-style: chr2-170038097-C-T.
Other names: short protein forms A3344T.
Identifiers: ClinVar variation 737373 (VCV000737373.15), dbSNP rs137983840, ClinGen allele CA1953437.

ClinVar aggregate classification (germline): Conflicting classifications of pathogenicity. Review status: criteria provided, conflicting classifications (1 of 4 stars). 6 submissions from 6 submitters: Uncertain significance (1); Likely benign (4). 1 of the submissions does not count toward it. Last evaluated 2026-06-24.

Conditions:
LRP2-related disorder. Also called: LRP2-related condition.
Donnai-Barrow syndrome. Also called: DBS/FOAR SYNDROME; FACIOOCULOACOUSTICORENAL SYNDROME. Identifiers: Orphanet 2143, MedGen C1857277, MONDO:0009104, OMIM 222448.

Allele frequency attached by ClinVar (database versions not stated): gnomAD exomes 0.00019 and 0.00043; ExAC 0.00054; 1000 Genomes Project 0.00160; gnomAD 0.00172 and 0.00185; ESP Exome Variant Server 0.00185; TOPMed 0.00195; 1000 Genomes Project 30x 0.00203.
gnomAD v4.1: 545 of 1,614,088 alleles (0.034%); highest among the groups gnomAD compares: African/African-American, 0.53%; 1 homozygote.

Submissions (6):

GeneDx
Classification: Uncertain significance. Last evaluated: 2026-06-24. Review status: criteria provided, single submitter. Criteria: GeneDx Variant Classification Process June 2021. Collection method: clinical testing. Allele origin: germline.
Comment: In silico analysis supports that this missense variant has a deleterious effect on protein structure/function; Has not been previously published as pathogenic or benign in association with LRP2-related disorders to our knowledge; This variant is associated with the following publications: (PMID: 23644516, 33006316, 31139930, 34070849, 33057194, 35982159)

Labcorp Genetics (formerly Invitae), Labcorp
Classification: Likely benign. Last evaluated: 2026-02-04. Review status: criteria provided, single submitter. Criteria: Invitae Variant Classification Sherloc (09022015). Collection method: clinical testing. Allele origin: germline.

Blueprint Genetics
Classification: Likely benign. Last evaluated: 2024-05-29. Review status: criteria provided, single submitter. Criteria: ACMG Guidelines, 2015. Collection method: clinical testing. Allele origin: germline.

Fulgent Genetics
Classification: Likely benign for Donnai-Barrow syndrome. Last evaluated: 2021-07-21. Review status: criteria provided, single submitter. Criteria: ACMG Guidelines, 2015. Collection method: clinical testing. Allele origin: unknown.

Breakthrough Genomics
Classification: Likely benign. Review status: criteria provided, single submitter. Criteria: ACMG Guidelines, 2015. Collection method: not provided. Allele origin: germline. Inheritance: Autosomal recessive inheritance. Affected: yes.

PreventionGenetics, part of Exact Sciences
Classification: Likely benign for LRP2-related condition. Last evaluated: 2021-08-31. Review status: no assertion criteria provided. Collection method: clinical testing. Allele origin: germline. Not counted in ClinVar's aggregate classification.
Comment: This variant is classified as likely benign based on ACMG/AMP sequence variant interpretation guidelines (Richards et al. 2015 PMID: 25741868, with internal and published modifications).